The following is an entry in ClinVar:

NM_182961.4(SYNE1):c.5008T>G (p.Trp1670Gly)

Gene: SYNE1 (spectrin repeat containing nuclear envelope protein 1; minus strand). Cytogenetic location: 6q25.2.
Variant type: single nucleotide variant.
Coding change: c.5008T>G on transcript NM_182961.4 (MANE Select); coding-DNA position 5008, T replaced by G.
Protein change: p.Trp1670Gly; replaces tryptophan 1670 with glycine.
Molecular consequence: missense variant.
Genome position (GRCh38, 1-based): chr6:152,427,785, A>C on the plus strand (T>G on the coding strand, the complement: SYNE1 is on the minus strand). VCF-style: chr6-152427785-A-C. GRCh37 (hg19) VCF-style: chr6-152748920-A-C.
Other names: c.5029T>G, p.Trp1677Gly (NM_033071.5); short protein forms W1670G, W1677G.
Identifiers: ClinVar variation 3027131 (VCV003027131.22), dbSNP rs2498425494, ClinGen allele CA366139617.
Genomic context (GRCh38, chr6:152,427,785, plus strand): 5'-CTCTGTCTGCAGAAATGTCCATTTCTGGGGAACTGGCTTTAGCTTCACCCCGCTCTAACC[A>C]GGTCAAAAAGGATGATAGTTCTTTCTCTAGCCTAAAGGAAGCAGAGAGCAGAAACAAATT-3'
Protein context (NP_892006.3, residues 1660-1680): LEKELSSFLT[Trp1670Gly]LERGEAKASS

ClinVar aggregate classification (germline): Uncertain significance (1 of 4 stars; one submission).

Submission:

CeGaT Center for Human Genetics Tuebingen
Classification: Uncertain significance. Last evaluated: 2024-02-01. Review status: criteria provided, single submitter. Criteria: CeGaT Center For Human Genetics Tuebingen Variant Classification Criteria Version 2. Collection method: clinical testing. Allele origin: germline. Affected: yes. Observed: 1 variant allele.
Comment: SYNE1: PM2